The following is an entry in ClinVar:

ClinVar aggregate classification (germline): Benign/Likely benign. Review status: criteria provided, multiple submitters, no conflicts (2 of 4 stars). 8 submissions from 8 submitters: Benign (1); Likely benign (7). Last evaluated 2025-09-17.

Conditions:
Hereditary cancer-predisposing syndrome. Also called: Hereditary neoplastic syndrome; Tumor predisposition; Neoplastic Syndromes, Hereditary; Hereditary Cancer Syndrome. Identifiers: Orphanet 140162, MedGen C0027672, MeSH D009386, MONDO:0015356.
Familial cancer of breast. Also called: Hereditary breast cancer; BREAST CANCER, FAMILIAL; hereditary breast carcinoma. Identifiers: Orphanet 227535, MedGen C0346153, MONDO:0016419, OMIM 114480. Disease mechanism: loss of function.
Fanconi anemia complementation group J. Also called: BRIP1-Related Fanconi Anemia. Identifiers: Orphanet 84, MedGen C1836860, MONDO:0012187, OMIM 609054.

Allele frequency attached by ClinVar (database versions not stated): gnomAD exomes below 0.00001.

Submissions (8):

Labcorp Genetics (formerly Invitae), Labcorp
Classification: Likely benign for Familial cancer of breast; Fanconi anemia complementation group J. Last evaluated: 2025-09-17. Review status: criteria provided, single submitter. Criteria: Invitae Variant Classification Sherloc (09022015). Collection method: clinical testing. Allele origin: germline.

Myriad Genetics, Inc.
Classification: Benign for Familial cancer of breast. Last evaluated: 2024-08-22. Review status: criteria provided, single submitter. Criteria: Myriad Autosomal Dominant, Autosomal Recessive and X-Linked Classification Criteria (2023). Collection method: clinical testing. Allele origin: unknown.
Comment: This variant is considered benign. This variant is a silent/synonymous amino acid change and it is not expected to impact splicing.

Quest Diagnostics Nichols Institute San Juan Capistrano
Classification: Likely benign. Last evaluated: 2024-03-18. Review status: criteria provided, single submitter. Criteria: Quest Diagnostics criteria. Collection method: clinical testing. Allele origin: unknown.

Women's Health and Genetics/Laboratory Corporation of America, LabCorp
Classification: Likely benign. Last evaluated: 2023-07-20. Review status: criteria provided, single submitter. Criteria: LabCorp Variant Classification Summary - May 2015. Collection method: clinical testing. Allele origin: germline.

Sema4
Classification: Likely benign for Hereditary cancer-predisposing syndrome. Last evaluated: 2021-05-05. Review status: criteria provided, single submitter. Criteria: Sema4 Curation Guidelines. Collection method: curation. Allele origin: germline.

Color Diagnostics, LLC DBA Color Health
Classification: Likely benign for Hereditary cancer-predisposing syndrome. Last evaluated: 2018-08-07. Review status: criteria provided, single submitter. Criteria: ACMG Guidelines, 2015. Collection method: clinical testing. Allele origin: germline.

Ambry Genetics
Classification: Likely benign for Hereditary cancer-predisposing syndrome. Last evaluated: 2018-03-23. Review status: criteria provided, single submitter. Criteria: Ambry Variant Classification Scheme 2023. Collection method: clinical testing. Allele origin: germline.

GeneDx
Classification: Likely benign. Last evaluated: 2016-03-01. Review status: criteria provided, single submitter. Criteria: GeneDx Variant Classification (06012015). Collection method: clinical testing. Allele origin: germline. Affected: yes.
Comment: This variant is considered likely benign or benign based on one or more of the following criteria: it is a conservative change, it occurs at a poorly conserved position in the protein, it is predicted to be benign by multiple in silico algorithms, and/or has population frequency not consistent with disease.

NM_032043.3(BRIP1):c.636C>A (p.Gly212=)

Gene: BRIP1 (BRCA1 interacting DNA helicase 1; minus strand). Cytogenetic location: 17q23.2.
Variant type: single nucleotide variant.
Coding change: c.636C>A on transcript NM_032043.3 (MANE Select); coding-DNA position 636, C replaced by A.
Protein change: p.Gly212=; no amino-acid change (glycine 212 retained).
Molecular consequence: synonymous variant.
Genome position (GRCh38, 1-based): chr17:61,808,749, G>T on the plus strand (C>A on the coding strand, the complement: BRIP1 is on the minus strand). VCF-style: chr17-61808749-G-T. GRCh37 (hg19) VCF-style: chr17-59886110-G-T.
Identifiers: ClinVar variation 377592 (VCV000377592.21), dbSNP rs1057520255, ClinGen allele CA16608575.